The following is an entry in ClinVar:

NM_000718.4(CACNA1B):c.2093-60C>A

Gene: CACNA1B (calcium voltage-gated channel subunit alpha1 B; plus strand). Cytogenetic location: 9q34.3.
Variant type: single nucleotide variant.
Coding change: c.2093-60C>A on transcript NM_000718.4 (MANE Select); 60 bases into the intron before coding-DNA position 2093, C replaced by A.
Molecular consequence: intron variant.
Genome position (GRCh38, 1-based): chr9:138,009,950, C>A. VCF-style: chr9-138009950-C-A. GRCh37 (hg19) VCF-style: chr9-140904402-C-A.
Other names: c.2093-60C>A (NM_001243812.2).
Identifiers: ClinVar variation 1683977 (VCV001683977.2), dbSNP rs116581407, ClinGen allele CA201857247.

ClinVar aggregate classification (germline): Likely benign (1 of 4 stars; one submission).

Allele frequency attached by ClinVar (database versions not stated): ESP Exome Variant Server 0.00416; gnomAD 0.00418 and 0.00448; TOPMed 0.00473; 1000 Genomes Project 0.00479; 1000 Genomes Project 30x 0.00484.
gnomAD v4.1: 1,110 of 1,335,296 alleles (0.083%); highest among the groups gnomAD compares: African/African-American, 1.4%; 4 homozygotes.

Submission:

GeneDx
Classification: Likely benign. Last evaluated: 2021-05-11. Review status: criteria provided, single submitter. Criteria: GeneDx Variant Classification Process June 2021. Collection method: clinical testing. Allele origin: germline. Affected: yes.
Comment: See Variant Classification Assertion Criteria.